The following is an entry in ClinVar:

ClinVar aggregate classification (germline): Pathogenic/Likely pathogenic. Review status: criteria provided, multiple submitters, no conflicts (2 of 4 stars). 6 submissions from 5 submitters: Pathogenic (1); Likely pathogenic (4). 1 of the submissions does not count toward it. Last evaluated 2023-11-23.

Conditions:
Usher syndrome. Also called: Usher Syndromes; Usher's syndrome. Identifiers: Orphanet 886, MedGen CN469326, MeSH D052245, MONDO:0019501. Disease mechanism: loss of function.
USH2A-related disorder. Also called: USH2A-related disorders; USH2A-related condition. Identifiers: MedGen CN239332.
Usher syndrome type 2A. Also called: RETINAL DISEASE IN USHER SYNDROME TYPE IIA, MODIFIER OF; USHER SYNDROME, TYPE IIA. Identifiers: Orphanet 231178, Orphanet 886, MedGen C1848634, MONDO:0010169, OMIM 276901.
Retinitis pigmentosa 39 (RP39). Identifiers: Orphanet 791, MedGen C3151138, MONDO:0013436, OMIM 613809.

Submissions (6):

Blueprint Genetics
Classification: Likely pathogenic for USH2A-related disorders. Last evaluated: 2023-11-23. Review status: criteria provided, single submitter. Criteria: ACMG Guidelines, 2015. Collection method: clinical testing. Allele origin: germline. Affected: yes. Observed: 2 variant alleles.

Genome-Nilou Lab
Classification: Likely pathogenic for Retinitis pigmentosa 39. Last evaluated: 2023-11-04. Review status: criteria provided, single submitter. Criteria: ACMG Guidelines, 2015. Collection method: clinical testing. Allele origin: germline. Affected: no.

Genome-Nilou Lab
Classification: Likely pathogenic for Usher syndrome type 2A. Last evaluated: 2023-11-04. Review status: criteria provided, single submitter. Criteria: ACMG Guidelines, 2015. Collection method: clinical testing. Allele origin: germline. Affected: no.

Women's Health and Genetics/Laboratory Corporation of America, LabCorp
Classification: Likely pathogenic for Usher syndrome. Last evaluated: 2023-02-02. Review status: criteria provided, single submitter. Criteria: LabCorp Variant Classification Summary - May 2015. Collection method: clinical testing. Allele origin: germline.
Comment: Variant summary: USH2A c.43C>T (p.Gln15X) results in a premature termination codon, predicted to cause a truncation of the encoded protein or absence of the protein due to nonsense mediated decay, which are commonly known mechanisms for disease. Truncations downstream of this position have been classified as pathogenic by our laboratory. The variant was absent in 250392 control chromosomes (gnomAD). To our knowledge, no occurrence of c.43C>T in individuals affected with Usher Syndrome and no experimental evidence demonstrating its impact on protein function have been reported. Two clinical diagnostic laboratories have submitted clinical-significance assessments for this variant to ClinVar after 2014 and all classified the variant as pathogenic/likely pathogenic. Based on the evidence outlined above, the variant was classified as likely pathogenic.

Labcorp Genetics (formerly Invitae), Labcorp
Classification: Pathogenic. Last evaluated: 2022-07-26. Review status: criteria provided, single submitter. Criteria: Invitae Variant Classification Sherloc (09022015). Collection method: clinical testing. Allele origin: germline.
Comment: For these reasons, this variant has been classified as Pathogenic. ClinVar contains an entry for this variant (Variation ID: 554504). This variant has not been reported in the literature in individuals affected with USH2A-related conditions. This variant is not present in population databases (gnomAD no frequency). This sequence change creates a premature translational stop signal (p.Gln15*) in the USH2A gene. It is expected to result in an absent or disrupted protein product. Loss-of-function variants in USH2A are known to be pathogenic (PMID: 10729113, 10909849, 20507924, 25649381).

Counsyl
Classification: Likely pathogenic for Usher syndrome type 2A; Retinitis pigmentosa 39. Last evaluated: 2017-10-24. Review status: no assertion criteria provided. Collection method: clinical testing. Allele origin: unknown. Not counted in ClinVar's aggregate classification.

Literature cited by the submitters: PubMed 10729113 (cited by Labcorp Genetics (formerly Invitae), Labcorp); PubMed 10909849 (cited by Labcorp Genetics (formerly Invitae), Labcorp); PubMed 20507924 (cited by Labcorp Genetics (formerly Invitae), Labcorp); PubMed 25649381 (cited by Labcorp Genetics (formerly Invitae), Labcorp).

NM_206933.4(USH2A):c.43C>T (p.Gln15Ter)

Gene: USH2A (usherin; minus strand). Cytogenetic location: 1q41.
Variant type: single nucleotide variant.
Coding change: c.43C>T on transcript NM_206933.4 (MANE Select); coding-DNA position 43, C replaced by T.
Protein change: p.Gln15Ter; replaces glutamine 15 with a stop codon.
Molecular consequence: nonsense.
Genome position (GRCh38, 1-based): chr1:216,422,294, G>A on the plus strand (C>T on the coding strand, the complement: USH2A is on the minus strand). VCF-style: chr1-216422294-G-A. GRCh37 (hg19) VCF-style: chr1-216595636-G-A.
Other names: c.43C>T, p.Gln15Ter (NM_007123.6); short protein forms Q15*.
Identifiers: ClinVar variation 554504 (VCV000554504.10), dbSNP rs1553258122, ClinGen allele CA344905143.